The following is an entry in ClinVar:

NM_002547.3(OPHN1):c.1312A>G (p.Ser438Gly)

Gene: OPHN1 (oligophrenin 1; minus strand). Cytogenetic location: Xq12.
Variant type: single nucleotide variant.
Coding change: c.1312A>G on transcript NM_002547.3 (MANE Select); coding-DNA position 1312, A replaced by G.
Protein change: p.Ser438Gly; replaces serine 438 with glycine.
Molecular consequence: missense variant.
Genome position (GRCh38, 1-based): chrX:68,119,297, T>C on the plus strand (A>G on the coding strand, the complement: OPHN1 is on the minus strand). VCF-style: chrX-68119297-T-C. GRCh37 (hg19) VCF-style: chrX-67339139-T-C.
Other names: c.1312A>G (NM_002547.2); short protein forms S438G.
Identifiers: ClinVar variation 2078776 (VCV002078776.6), dbSNP rs370209377, ClinGen allele CA10436926.
Genomic context (GRCh38, chrX:68,119,297, plus strand): 5'-ATCAGGCATACCTGAGGTAGAATTTCAAGGAGCTGGTGATTGTCTTAATGTCCCAGTCAC[T>C]ATTATGAAAATCAACATCTCCTGGGCATTTAGGATCTATTTGAGAAAAGTAAACAAAAAA-3'
Protein context (NP_002538.1, residues 428-448): KCPGDVDFHN[Ser438Gly]DWDIKTITSS

ClinVar aggregate classification (germline): Conflicting classifications of pathogenicity. Review status: criteria provided, conflicting classifications (1 of 4 stars). 2 submissions from 2 submitters: Uncertain significance (1); Likely benign (1). Last evaluated 2023-07-12.

Conditions:
Inborn genetic diseases. Identifiers: MedGen C0950123, MeSH D030342.

Allele frequency attached by ClinVar (database versions not stated): TOPMed 0.00003; ExAC 0.00005; gnomAD 0.00005; gnomAD exomes 0.00005; ESP Exome Variant Server 0.00009.
gnomAD v4.1: 53 of 1,203,444 alleles (0.0044%); highest among the groups gnomAD compares: Non-Finnish European, 0.0058%; no homozygotes.

Submissions (2):

Ambry Genetics
Classification: Likely benign for Inborn genetic diseases. Last evaluated: 2023-07-12. Review status: criteria provided, single submitter. Criteria: Ambry Variant Classification Scheme 2023. Collection method: clinical testing. Allele origin: germline.

Labcorp Genetics (formerly Invitae), Labcorp
Classification: Uncertain significance. Last evaluated: 2022-12-17. Review status: criteria provided, single submitter. Criteria: Invitae Variant Classification Sherloc (09022015). Collection method: clinical testing. Allele origin: germline.
Comment: In summary, the available evidence is currently insufficient to determine the role of this variant in disease. Therefore, it has been classified as a Variant of Uncertain Significance. This sequence change replaces serine, which is neutral and polar, with glycine, which is neutral and non-polar, at codon 438 of the OPHN1 protein (p.Ser438Gly). This variant is present in population databases (rs370209377, gnomAD 0.006%), including at least one homozygous and/or hemizygous individual. This variant has not been reported in the literature in individuals affected with OPHN1-related conditions. Algorithms developed to predict the effect of missense changes on protein structure and function (SIFT, PolyPhen-2, Align-GVGD) all suggest that this variant is likely to be tolerated.